The following is an entry in ClinVar:

ClinVar aggregate classification (germline): Pathogenic (1 of 4 stars; one submission).

Submission:

Labcorp Genetics (formerly Invitae), Labcorp
Classification: Pathogenic. Last evaluated: 2024-01-24. Review status: criteria provided, single submitter. Criteria: Invitae Variant Classification Sherloc (09022015). Collection method: clinical testing. Allele origin: unknown.
Comment: This variant is a gross deletion of the genomic region encompassing exon(s) 4 of the PCDH15 gene. This deletion is out-of-frame, and is expected to create a premature termination codon and result in an absent or disrupted protein product. Loss-of-function variants in PCDH15 are known to be pathogenic (PMID: 11398101, 11487575, 14570705). This variant has not been reported in the literature in individuals affected with PCDH15-related conditions. For these reasons, this variant has been classified as Pathogenic.

Literature cited by the submitters: PubMed 11398101; PubMed 11487575; PubMed 14570705.

NC_000010.10:g.(?_56138522)_(56138722_?)del

Gene: PCDH15 (protocadherin related 15; minus strand). Cytogenetic location: 10q21.1.
Variant type: Deletion.
Identifiers: ClinVar variation 3245017 (VCV003245017.1).